The following is an entry in ClinVar:

ClinVar aggregate classification (germline): Uncertain significance. Review status: criteria provided, multiple submitters, no conflicts (2 of 4 stars). 6 submissions from 5 submitters: Uncertain significance (6). Last evaluated 2024-09-10.

Conditions:
Inborn genetic diseases. Identifiers: MedGen C0950123, MeSH D030342.
Autosomal recessive nonsyndromic hearing loss 12. Also called: DEAFNESS, AUTOSOMAL RECESSIVE 12. Identifiers: Orphanet 90636, MedGen C1832394, MONDO:0011067, OMIM 601386.
Usher syndrome type 1D (USH1D). Also called: USHER SYNDROME, TYPE ID. Identifiers: Orphanet 231169, Orphanet 886, MedGen C1832845, MONDO:0010984, OMIM 601067.

Allele frequency attached by ClinVar (database versions not stated): ExAC 0.00003; gnomAD 0.00003 and 0.00004; gnomAD exomes 0.00003 and 0.00004; TOPMed 0.00006.
gnomAD v4.1: 51 of 1,613,790 alleles (0.0032%); highest among the groups gnomAD compares: Admixed American, 0.012%; no homozygotes.

Submissions (6):

Ambry Genetics
Classification: Uncertain significance for Inborn genetic diseases. Last evaluated: 2024-09-10. Review status: criteria provided, single submitter. Criteria: Ambry Variant Classification Scheme 2023. Collection method: clinical testing. Allele origin: germline.

Blueprint Genetics
Classification: Uncertain significance. Last evaluated: 2023-10-17. Review status: criteria provided, single submitter. Criteria: ACMG Guidelines, 2015. Collection method: clinical testing. Allele origin: germline.

Labcorp Genetics (formerly Invitae), Labcorp
Classification: Uncertain significance. Last evaluated: 2022-07-21. Review status: criteria provided, single submitter. Criteria: Invitae Variant Classification Sherloc (09022015). Collection method: clinical testing. Allele origin: germline.
Comment: This sequence change replaces arginine, which is basic and polar, with glutamine, which is neutral and polar, at codon 3039 of the CDH23 protein (p.Arg3039Gln). This variant is present in population databases (rs776346516, gnomAD 0.009%). This variant has not been reported in the literature in individuals affected with CDH23-related conditions. ClinVar contains an entry for this variant (Variation ID: 880222). Algorithms developed to predict the effect of missense changes on protein structure and function are either unavailable or do not agree on the potential impact of this missense change (SIFT: "Deleterious"; PolyPhen-2: "Not Available"; Align-GVGD: "Class C0"). In summary, the available evidence is currently insufficient to determine the role of this variant in disease. Therefore, it has been classified as a Variant of Uncertain Significance.

Illumina Laboratory Services, Illumina
Classification: Uncertain significance for Autosomal recessive nonsyndromic hearing loss 12. Last evaluated: 2018-01-12. Review status: criteria provided, single submitter. Criteria: ICSL Variant Classification Criteria 13 December 2019. Collection method: clinical testing. Allele origin: germline.

Illumina Laboratory Services, Illumina
Classification: Uncertain significance for Usher syndrome type 1D. Last evaluated: 2018-01-12. Review status: criteria provided, single submitter. Criteria: ICSL Variant Classification Criteria 13 December 2019. Collection method: clinical testing. Allele origin: germline.

Breakthrough Genomics
Classification: Uncertain significance. Review status: criteria provided, single submitter. Criteria: ACMG Guidelines, 2015. Collection method: not provided. Allele origin: germline. Inheritance: Autosomal recessive inheritance. Affected: yes.

NM_022124.6(CDH23):c.9116G>A (p.Arg3039Gln)

Gene: CDH23 (cadherin related 23; plus strand). Cytogenetic location: 10q22.1.
Variant type: single nucleotide variant.
Coding change: c.9116G>A on transcript NM_022124.6 (MANE Select); coding-DNA position 9116, G replaced by A.
Protein change: p.Arg3039Gln; replaces arginine 3039 with glutamine.
Molecular consequence: missense variant.
Genome position (GRCh38, 1-based): chr10:71,811,353, G>A. VCF-style: chr10-71811353-G-A. GRCh37 (hg19) VCF-style: chr10-73571110-G-A.
Other names: c.2396G>A, p.Arg799Gln (NM_001171933.1, NM_001171934.1); short protein forms R3039Q, R799Q.
Identifiers: ClinVar variation 880222 (VCV000880222.8), dbSNP rs776346516, ClinGen allele CA5546884.